The following is an entry in ClinVar:

ClinVar aggregate classification (germline): Conflicting classifications of pathogenicity. Review status: criteria provided, conflicting classifications (1 of 4 stars). 5 submissions from 5 submitters: Uncertain significance (1); Benign (2); Likely benign (1). 1 of the submissions does not count toward it. Last evaluated 2026-01-26.

Conditions:
OTOF-related disorder. Also called: OTOF-related condition.
Autosomal recessive nonsyndromic hearing loss 9. Also called: NEUROSENSORY NONSYNDROMIC RECESSIVE DEAFNESS 9; AUDITORY NEUROPATHY, AUTOSOMAL RECESSIVE, 1, TEMPERATURE-SENSITIVE; OTOF-Related Hearing Loss; Deafness, autosomal recessive 9. Identifiers: Orphanet 90636, MedGen C1832828, MONDO:0010986, OMIM 601071.

Allele frequency attached by ClinVar (database versions not stated): gnomAD exomes 0.00020 and 0.00046; 1000 Genomes Project 0.00260; 1000 Genomes Project 30x 0.00297; ExAC 0.00056; ESP Exome Variant Server 0.00146; gnomAD 0.00182 and 0.00196; TOPMed 0.00184.
gnomAD v4.1: 570 of 1,612,540 alleles (0.035%); highest among the groups gnomAD compares: African/African-American, 0.7%; 3 homozygotes.

Submissions (5):

Labcorp Genetics (formerly Invitae), Labcorp
Classification: Benign. Last evaluated: 2026-01-26. Review status: criteria provided, single submitter. Criteria: Invitae Variant Classification Sherloc (09022015). Collection method: clinical testing. Allele origin: germline.

Blueprint Genetics
Classification: Likely benign. Last evaluated: 2024-07-14. Review status: criteria provided, single submitter. Criteria: ACMG Guidelines, 2015. Collection method: clinical testing. Allele origin: germline.

Illumina Laboratory Services, Illumina
Classification: Uncertain significance for Autosomal recessive nonsyndromic hearing loss 9. Last evaluated: 2018-01-13. Review status: criteria provided, single submitter. Criteria: ICSL Variant Classification Criteria 13 December 2019. Collection method: clinical testing. Allele origin: germline.

Laboratory for Molecular Medicine, Mass General Brigham Personalized Medicine
Classification: Benign. Last evaluated: 2017-10-26. Review status: criteria provided, single submitter. Criteria: LMM Criteria. Collection method: clinical testing. Allele origin: germline. Observed: 4 variant alleles.
Comment: c.509+11G>A in Intron 05A of OTOF: This variant is not expected to have clinical significance because it is not located within the conserved splice consensus se quence and has been identified in 0.7% (176/24014) of African chromosomes includ ing 1 homozygote by the Genome Aggregation Database (gnomAD; dbSNP rs200010052). ACMG/AMP Criteria applied: BS1, BP4, BP7 (Ri chards 2015).

PreventionGenetics, part of Exact Sciences
Classification: Benign for OTOF-related condition. Last evaluated: 2022-05-04. Review status: no assertion criteria provided. Collection method: clinical testing. Allele origin: germline. Not counted in ClinVar's aggregate classification.
Comment: This variant is classified as benign based on ACMG/AMP sequence variant interpretation guidelines (Richards et al. 2015 PMID: 25741868, with internal and published modifications).

NM_194248.3(OTOF):c.509+11G>A

Gene: OTOF (otoferlin; minus strand). Cytogenetic location: 2p23.3.
Variant type: single nucleotide variant.
Coding change: c.509+11G>A on transcript NM_194248.3 (MANE Select); 11 bases into the intron after coding-DNA position 509, G replaced by A.
Molecular consequence: intron variant.
Genome position (GRCh38, 1-based): chr2:26,516,407, C>T on the plus strand (G>A on the coding strand, the complement: OTOF is on the minus strand). VCF-style: chr2-26516407-C-T. GRCh37 (hg19) VCF-style: chr2-26739275-C-T.
Other names: c.509+11G>A (NM_001287489.2).
Identifiers: ClinVar variation 48250 (VCV000048250.16), dbSNP rs200010052, ClinGen allele CA142920.